The following is an entry in ClinVar:

ClinVar aggregate classification (germline): Uncertain significance. Review status: criteria provided, multiple submitters, no conflicts (2 of 4 stars). 2 submissions from 2 submitters: Uncertain significance (2). Last evaluated 2024-02-25.

Conditions:
Multiple endocrine neoplasia type 4. Also called: MULTIPLE ENDOCRINE NEOPLASIA, TYPE IV. Identifiers: Orphanet 276152, MedGen C1970712, MONDO:0012552, OMIM 610755.
Hereditary cancer-predisposing syndrome. Also called: Tumor predisposition; Neoplastic Syndromes, Hereditary; Hereditary Cancer Syndrome; Hereditary neoplastic syndrome. Identifiers: Orphanet 140162, MedGen C0027672, MeSH D009386, MONDO:0015356.

Submissions (2):

Ambry Genetics
Classification: Uncertain significance for Hereditary cancer-predisposing syndrome. Last evaluated: 2024-02-25. Review status: criteria provided, single submitter. Criteria: Ambry Variant Classification Scheme 2023. Collection method: clinical testing. Allele origin: germline.
Comment: The p.K96E variant (also known as c.286A>G), located in coding exon 1 of the CDKN1B gene, results from an A to G substitution at nucleotide position 286. The lysine at codon 96 is replaced by glutamic acid, an amino acid with similar properties. This amino acid position is conserved. In addition, the in silico prediction for this alteration is inconclusive. Based on the available evidence, the clinical significance of this alteration remains unclear.

Labcorp Genetics (formerly Invitae), Labcorp
Classification: Uncertain significance for Multiple endocrine neoplasia type 4. Last evaluated: 2023-03-14. Review status: criteria provided, single submitter. Criteria: Invitae Variant Classification Sherloc (09022015). Collection method: clinical testing. Allele origin: germline.
Comment: In summary, the available evidence is currently insufficient to determine the role of this variant in disease. Therefore, it has been classified as a Variant of Uncertain Significance. An algorithm developed to predict the effect of missense changes on protein structure and function (PolyPhen-2) suggests that this variant is likely to be disruptive. ClinVar contains an entry for this variant (Variation ID: 1058263). This variant has not been reported in the literature in individuals affected with CDKN1B-related conditions. This variant is not present in population databases (gnomAD no frequency). This sequence change replaces lysine, which is basic and polar, with glutamic acid, which is acidic and polar, at codon 96 of the CDKN1B protein (p.Lys96Glu).

NM_004064.5(CDKN1B):c.286A>G (p.Lys96Glu)

Gene: CDKN1B (cyclin dependent kinase inhibitor 1B; plus strand). Cytogenetic location: 12p13.1.
Variant type: single nucleotide variant.
Coding change: c.286A>G on transcript NM_004064.5 (MANE Select); coding-DNA position 286, A replaced by G.
Protein change: p.Lys96Glu; replaces lysine 96 with glutamic acid.
Molecular consequence: missense variant.
Genome position (GRCh38, 1-based): chr12:12,718,125, A>G. VCF-style: chr12-12718125-A-G. GRCh37 (hg19) VCF-style: chr12-12871059-A-G.
Other names: c.286A>G (NM_004064.3); short protein forms K96E.
Identifiers: ClinVar variation 1058263 (VCV001058263.10), dbSNP rs2136356023, ClinGen allele CA383970027.